The following is an entry in ClinVar:

ClinVar aggregate classification (germline): Benign/Likely benign. Review status: criteria provided, multiple submitters, no conflicts (2 of 4 stars). 3 submissions from 3 submitters: Benign (1); Likely benign (1). 1 of the submissions does not count toward it. Last evaluated 2025-10-10.

Conditions:
EP300-related disorder. Also called: EP300-related disorders; EP300-related condition.
Rubinstein-Taybi syndrome due to EP300 haploinsufficiency. Also called: EP300-Related Rubinstein-Taybi Syndrome; RUBINSTEIN-TAYBI SYNDROME 2. Identifiers: Orphanet 353284, Orphanet 783, MedGen C3150941, MONDO:0013364, OMIM 613684.

Allele frequency attached by ClinVar (database versions not stated): TOPMed 0.00002; gnomAD 0.00006; gnomAD exomes 0.00012; 1000 Genomes Project 0.00020; ExAC 0.00021; 1000 Genomes Project 30x 0.00031.
gnomAD v4.1: 189 of 1,614,000 alleles (0.012%); highest among the groups gnomAD compares: South Asian, 0.13%; 2 homozygotes.

Submissions (3):

Labcorp Genetics (formerly Invitae), Labcorp
Classification: Benign for Rubinstein-Taybi syndrome due to EP300 haploinsufficiency. Last evaluated: 2025-10-10. Review status: criteria provided, single submitter. Criteria: Invitae Variant Classification Sherloc (09022015). Collection method: clinical testing. Allele origin: germline.

Blueprint Genetics
Classification: Likely benign. Last evaluated: 2022-03-11. Review status: criteria provided, single submitter. Criteria: ACMG Guidelines, 2015. Collection method: clinical testing. Allele origin: germline.

PreventionGenetics, part of Exact Sciences
Classification: Likely benign for EP300-related condition. Last evaluated: 2021-09-14. Review status: no assertion criteria provided. Collection method: clinical testing. Allele origin: germline. Not counted in ClinVar's aggregate classification.
Comment: This variant is classified as likely benign based on ACMG/AMP sequence variant interpretation guidelines (Richards et al. 2015 PMID: 25741868, with internal and published modifications).

NM_001429.4(EP300):c.5406G>A (p.Pro1802=)

Gene: EP300 (EP300 lysine acetyltransferase; plus strand). Cytogenetic location: 22q13.2.
Variant type: single nucleotide variant.
Coding change: c.5406G>A on transcript NM_001429.4 (MANE Select); coding-DNA position 5406, G replaced by A.
Protein change: p.Pro1802=; no amino-acid change (proline 1802 retained).
Molecular consequence: synonymous variant.
Genome position (GRCh38, 1-based): chr22:41,177,117, G>A. VCF-style: chr22-41177117-G-A. GRCh37 (hg19) VCF-style: chr22-41573121-G-A.
Other names: c.5406G>A (NM_001429.3); c.5328G>A, p.Pro1776= (NM_001362843.2).
Identifiers: ClinVar variation 2726108 (VCV002726108.6), dbSNP rs537834282, ClinGen allele CA10253630.